The following is an entry in ClinVar:

NM_001205293.3(CACNA1E):c.6643C>A (p.His2215Asn)

Gene: CACNA1E (calcium voltage-gated channel subunit alpha1 E; plus strand). Cytogenetic location: 1q25.3.
Variant type: single nucleotide variant.
Coding change: c.6643C>A on transcript NM_001205293.3 (MANE Select); coding-DNA position 6643, C replaced by A.
Protein change: p.His2215Asn; replaces histidine 2215 with asparagine.
Molecular consequence: missense variant.
Genome position (GRCh38, 1-based): chr1:181,798,535, C>A. VCF-style: chr1-181798535-C-A. GRCh37 (hg19) VCF-style: chr1-181767671-C-A.
Other names: c.6457C>A, p.His2153Asn (NM_001205294.2); c.6514C>A, p.His2172Asn (NM_000721.4); short protein forms H2153N, H2172N, H2215N.
Identifiers: ClinVar variation 3633700 (VCV003633700.2).

ClinVar aggregate classification (germline): Uncertain significance (1 of 4 stars; one submission).

Submission:

Labcorp Genetics (formerly Invitae), Labcorp
Classification: Uncertain significance. Last evaluated: 2024-08-15. Review status: criteria provided, single submitter. Criteria: Invitae Variant Classification Sherloc (09022015). Collection method: clinical testing. Allele origin: germline.
Comment: This sequence change replaces histidine, which is basic and polar, with asparagine, which is neutral and polar, at codon 2172 of the CACNA1E protein (p.His2172Asn). This variant is not present in population databases (gnomAD no frequency). This variant has not been reported in the literature in individuals affected with CACNA1E-related conditions. Invitae Evidence Modeling of protein sequence and biophysical properties (such as structural, functional, and spatial information, amino acid conservation, physicochemical variation, residue mobility, and thermodynamic stability) indicates that this missense variant is not expected to disrupt CACNA1E protein function with a negative predictive value of 95%. In summary, the available evidence is currently insufficient to determine the role of this variant in disease. Therefore, it has been classified as a Variant of Uncertain Significance.